The following is an entry in ClinVar:

ClinVar aggregate classification (germline): Pathogenic (1 of 4 stars; one submission).

Submission:

Labcorp Genetics (formerly Invitae), Labcorp
Classification: Pathogenic. Last evaluated: 2024-11-20. Review status: criteria provided, single submitter. Criteria: Invitae Variant Classification Sherloc (09022015). Collection method: clinical testing. Allele origin: germline.
Comment: This sequence change creates a premature translational stop signal (p.Gln480Serfs*14) in the TJP2 gene. It is expected to result in an absent or disrupted protein product. Loss-of-function variants in TJP2 are known to be pathogenic (PMID: 24614073, 25921221, 28039895). This variant is not present in population databases (gnomAD no frequency). This variant has not been reported in the literature in individuals affected with TJP2-related conditions. ClinVar contains an entry for this variant (Variation ID: 840186). For these reasons, this variant has been classified as Pathogenic.

Literature cited by the submitters: PubMed 24614073; PubMed 25921221; PubMed 28039895.

NM_004817.4(TJP2):c.1438_1454del (p.Gln480fs)

Gene: TJP2 (tight junction protein 2; plus strand). Cytogenetic location: 9q21.11.
Variant type: Deletion.
Coding change: c.1438_1454del on transcript NM_004817.4 (MANE Select); coding-DNA positions 1438 to 1454, 17 bases deleted (CCAAGAGGACCCCCCAG).
Protein change: p.Gln480fs; shifts the reading frame from glutamine 480.
Molecular consequence: frameshift variant.
Genome position (GRCh38, 1-based): chr9:69,228,098-69,228,114, CCAAGAGGACCCCCCAG deleted. VCF-style (leftmost placement, unchanged base first): chr9-69228097-ACCAAGAGGACCCCCCAG-A. GRCh37 (hg19) VCF-style: chr9-71843013-ACCAAGAGGACCCCCCAG-A.
Other names: c.1369_1385del, p.Gln457fs (NM_001170414.2, NM_001369871.1); c.1450_1466del, p.Gln484fs (NM_001170415.1, NM_001369874.1, NM_001369875.1); c.1531_1547del, p.Gln511fs (NM_001170416.2); c.1363_1379del, p.Gln455fs (NM_001369870.1); c.1438_1454del, p.Gln480fs (NM_001369872.1, NM_001369873.1, NM_201629.3); short protein forms Q455fs, Q457fs, Q480fs, Q484fs, Q511fs.
Identifiers: ClinVar variation 840186 (VCV000840186.7), dbSNP rs1829487527, ClinGen allele CA916084248.